The following is an entry in ClinVar:

NM_001363118.2(SLC52A2):c.1024C>T (p.Leu342Phe)

Gene: SLC52A2 (solute carrier family 52 member 2; plus strand). Cytogenetic location: 8q24.3.
Variant type: single nucleotide variant.
Coding change: c.1024C>T on transcript NM_001363118.2 (MANE Select); coding-DNA position 1024, C replaced by T.
Protein change: p.Leu342Phe; replaces leucine 342 with phenylalanine.
Molecular consequence: missense variant. On other transcripts: non-coding transcript variant (1).
Genome position (GRCh38, 1-based): chr8:144,360,612, C>T. VCF-style: chr8-144360612-C-T. GRCh37 (hg19) VCF-style: chr8-145584272-C-T.
Other names: c.1024C>T, p.Leu342Phe (NM_001253815.2, NM_001253816.2, NM_001363120.2 and 2 more transcripts); c.532C>T, p.Leu178Phe (NM_001363122.2); short protein forms L178F, L342F.
Identifiers: ClinVar variation 645297 (VCV000645297.7), dbSNP rs531845498, ClinGen allele CA4938353.

ClinVar aggregate classification (germline): Uncertain significance. Review status: criteria provided, multiple submitters, no conflicts (2 of 4 stars). 3 submissions from 3 submitters: Uncertain significance (3). Last evaluated 2025-05-01.

Conditions:
Brown-Vialetto-van Laere syndrome 2. Also called: SPINOCEREBELLAR ATAXIA WITH BLINDNESS AND DEAFNESS 2; Riboflavin transporter deficiency type 2. Identifiers: Orphanet 572543, Orphanet 97229, MedGen C3553538, MONDO:0013867, OMIM 614707.

Allele frequency attached by ClinVar (database versions not stated): TOPMed 0.00005; gnomAD 0.00006; 1000 Genomes Project 0.00040; ExAC 0.00005; gnomAD exomes 0.00003; 1000 Genomes Project 30x 0.00062.
gnomAD v4.1: 54 of 1,602,872 alleles (0.0034%); highest among the groups gnomAD compares: African/African-American, 0.0093%; no homozygotes.

Submissions (3):

GeneDx
Classification: Uncertain significance. Last evaluated: 2025-05-01. Review status: criteria provided, single submitter. Criteria: GeneDx Variant Classification Process June 2021. Collection method: clinical testing. Allele origin: germline. Affected: yes.
Comment: Not observed at significant frequency in large population cohorts (gnomAD); In silico analysis supports that this missense variant has a deleterious effect on protein structure/function; Has not been previously published as pathogenic or benign to our knowledge

Blueprint Genetics
Classification: Uncertain significance. Last evaluated: 2024-11-08. Review status: criteria provided, single submitter. Criteria: ACMG Guidelines, 2015. Collection method: clinical testing. Allele origin: germline.

Labcorp Genetics (formerly Invitae), Labcorp
Classification: Uncertain significance for Brown-Vialetto-van Laere syndrome 2. Last evaluated: 2022-09-13. Review status: criteria provided, single submitter. Criteria: Invitae Variant Classification Sherloc (09022015). Collection method: clinical testing. Allele origin: germline.
Comment: This sequence change replaces leucine, which is neutral and non-polar, with phenylalanine, which is neutral and non-polar, at codon 342 of the SLC52A2 protein (p.Leu342Phe). This variant is present in population databases (rs531845498, gnomAD 0.01%). This variant has not been reported in the literature in individuals affected with SLC52A2-related conditions. ClinVar contains an entry for this variant (Variation ID: 645297). Advanced modeling of protein sequence and biophysical properties (such as structural, functional, and spatial information, amino acid conservation, physicochemical variation, residue mobility, and thermodynamic stability) has been performed at Invitae for this missense variant, however the output from this modeling did not meet the statistical confidence thresholds required to predict the impact of this variant on SLC52A2 protein function. In summary, the available evidence is currently insufficient to determine the role of this variant in disease. Therefore, it has been classified as a Variant of Uncertain Significance.